The following is an entry in ClinVar:

ClinVar aggregate classification (germline): Uncertain significance. Review status: criteria provided, multiple submitters, no conflicts (2 of 4 stars). 2 submissions from 2 submitters: Uncertain significance (2). Last evaluated 2021-12-07.

Conditions:
Dilated cardiomyopathy 1KK (CMD1KK). Identifiers: Orphanet 154, Orphanet 75249, MedGen C3714995, MONDO:0014100, OMIM 615248.
MYPN-related myopathy (CMYO24). Also called: Nemaline myopathy 11, autosomal recessive. Identifiers: MedGen C4479186, MONDO:0015023, OMIM 617336.

Allele frequency attached by ClinVar (database versions not stated): gnomAD exomes below 0.00001.
gnomAD v4.1: 1 of 1,614,102 alleles (0.000062%); highest among the groups gnomAD compares: Non-Finnish European, 0.000085%; no homozygotes.

Submissions (2):

Fulgent Genetics
Classification: Uncertain significance for Dilated cardiomyopathy 1KK; MYPN-related myopathy. Last evaluated: 2021-12-07. Review status: criteria provided, single submitter. Criteria: ACMG Guidelines, 2015. Collection method: clinical testing. Allele origin: unknown.

GeneDx
Classification: Uncertain significance. Last evaluated: 2017-02-16. Review status: criteria provided, single submitter. Criteria: GeneDx Variant Classification (06012015). Collection method: clinical testing. Allele origin: germline. Affected: yes.
Comment: The V812A variant of uncertain significance in the MYPN gene has not been published as pathogenic or been reported as benign to our knowledge.V812A is not observed in large population cohorts (Lek et al., 2016; 1000 Genomes Consortium et al., 2015; Exome Variant Server). The V812A variant is a conservative amino acid substitution, which is not likely to impact secondary protein structure as these residues share similar properties. Moreover, this substitution occurs at a position where amino acids with similar properties to valine are tolerated across species, and where A812 is the wild-type residue in at least three species. Nevertheless, in silico analysis is inconsistent in its predictions as to whether or not the variant is damaging to the protein structure/function.

NM_032578.4(MYPN):c.2435T>C (p.Val812Ala)

Gene: MYPN (myopalladin; plus strand). Cytogenetic location: 10q21.3.
Variant type: single nucleotide variant.
Coding change: c.2435T>C on transcript NM_032578.4 (MANE Select); coding-DNA position 2435, T replaced by C.
Protein change: p.Val812Ala; replaces valine 812 with alanine.
Molecular consequence: missense variant. On other transcripts: non-coding transcript variant (2).
Genome position (GRCh38, 1-based): chr10:68,174,527, T>C. VCF-style: chr10-68174527-T-C. GRCh37 (hg19) VCF-style: chr10-69934284-T-C.
Other names: c.2435T>C, p.Val812Ala (NM_001256267.2); c.1553T>C, p.Val518Ala (NM_001256268.2); short protein forms V812A, V518A.
Identifiers: ClinVar variation 430248 (VCV000430248.3), dbSNP rs1131691857, ClinGen allele CA376847425.